The following is an entry in ClinVar:

NC_000016.9:g.(?_89178490)_(89222264_?)del

Gene: ACSF3 (acyl-CoA synthetase family member 3; plus strand). Cytogenetic location: 16q24.3.
Variant type: Deletion.
Identifiers: ClinVar variation 2427526 (VCV002427526.4).

ClinVar aggregate classification (germline): Pathogenic (1 of 4 stars; one submission).

Conditions:
Combined malonic and methylmalonic acidemia. Identifiers: Orphanet 289504, MedGen C3280314, MONDO:0013661, OMIM 614265.

Submission:

Labcorp Genetics (formerly Invitae), Labcorp
Classification: Pathogenic for Combined malonic and methylmalonic acidemia. Last evaluated: 2022-03-26. Review status: criteria provided, single submitter. Criteria: Invitae Variant Classification Sherloc (09022015). Collection method: clinical testing. Allele origin: germline.
Comment: For these reasons, this variant has been classified as Pathogenic. This variant disrupts a region of the ACSF3 protein in which other variant(s) (p.Arg558Trp) have been determined to be pathogenic (PMID: 21841779, 26827111; Invitae). This suggests that this is a clinically significant region of the protein, and that variants that disrupt it are likely to be disease-causing. This variant has not been reported in the literature in individuals affected with ACSF3-related conditions. This variant is a gross deletion of the genomic region encompassing exon(s) 5-11 of the ACSF3 gene, which includes the termination codon. This deletion extends beyond the assayed region for this gene and therefore may encompass additional genes. While this deletion is not anticipated to lead to nonsense mediated decay, it is expected to alter mRNA translation or result in a truncated protein product.

Literature cited by the submitters: PubMed 21841779; PubMed 26827111.